The following is an entry in ClinVar:

ClinVar aggregate classification (germline): Likely benign (1 of 4 stars; one submission).

Allele frequency attached by ClinVar (database versions not stated): gnomAD exomes below 0.00001.
gnomAD v4.1: 1 of 1,613,518 alleles (0.000062%); highest among the groups gnomAD compares: Non-Finnish European, 0.000085%; no homozygotes.

Submission:

CeGaT Center for Human Genetics Tuebingen
Classification: Likely benign. Last evaluated: 2023-02-01. Review status: criteria provided, single submitter. Criteria: CeGaT Center For Human Genetics Tuebingen Variant Classification Criteria Version 2. Collection method: clinical testing. Allele origin: germline. Affected: yes. Observed: 1 variant allele.
Comment: LAMB1: BP4, BP7

NM_002291.3(LAMB1):c.3129T>C (p.Ser1043=)

Gene: LAMB1 (laminin subunit beta 1; minus strand). Cytogenetic location: 7q31.1.
Variant type: single nucleotide variant.
Coding change: c.3129T>C on transcript NM_002291.3 (MANE Select); coding-DNA position 3129, T replaced by C.
Protein change: p.Ser1043=; no amino-acid change (serine 1043 retained).
Molecular consequence: synonymous variant.
Genome position (GRCh38, 1-based): chr7:107,952,174, A>G on the plus strand (T>C on the coding strand, the complement: LAMB1 is on the minus strand). VCF-style: chr7-107952174-A-G. GRCh37 (hg19) VCF-style: chr7-107592619-A-G.
Identifiers: ClinVar variation 2657938 (VCV002657938.24), dbSNP rs1270571732, ClinGen allele CA457107994.